The following is an entry in ClinVar:

ClinVar aggregate classification (germline): Uncertain significance. Review status: criteria provided, multiple submitters, no conflicts (2 of 4 stars). 2 submissions from 2 submitters: Uncertain significance (2). Last evaluated 2025-11-11.

Conditions:
Inborn genetic diseases. Identifiers: MedGen C0950123, MeSH D030342.

Allele frequency attached by ClinVar (database versions not stated): gnomAD exomes below 0.00001.
gnomAD v4.1: 2 of 1,613,198 alleles (0.00012%); highest among the groups gnomAD compares: Non-Finnish European, 0.00017%; no homozygotes.

Submissions (2):

Ambry Genetics
Classification: Uncertain significance for Inborn genetic diseases. Last evaluated: 2025-11-11. Review status: criteria provided, single submitter. Criteria: Ambry Variant Classification Scheme 2023. Collection method: clinical testing. Allele origin: germline.

Labcorp Genetics (formerly Invitae), Labcorp
Classification: Uncertain significance. Last evaluated: 2022-06-11. Review status: criteria provided, single submitter. Criteria: Invitae Variant Classification Sherloc (09022015). Collection method: clinical testing. Allele origin: germline.
Comment: This sequence change replaces lysine, which is basic and polar, with asparagine, which is neutral and polar, at codon 528 of the OBSL1 protein (p.Lys528Asn). This variant is present in population databases (no rsID available, gnomAD 0.0009%). This variant has not been reported in the literature in individuals affected with OBSL1-related conditions. Algorithms developed to predict the effect of missense changes on protein structure and function are either unavailable or do not agree on the potential impact of this missense change (SIFT: "Tolerated"; PolyPhen-2: "Possibly Damaging"; Align-GVGD: "Class C0"). In summary, the available evidence is currently insufficient to determine the role of this variant in disease. Therefore, it has been classified as a Variant of Uncertain Significance.

NM_015311.3(OBSL1):c.1584G>C (p.Lys528Asn)

Gene: OBSL1 (obscurin like cytoskeletal adaptor 1; minus strand). Cytogenetic location: 2q35.
Variant type: single nucleotide variant.
Coding change: c.1584G>C on transcript NM_015311.3 (MANE Select); coding-DNA position 1584, G replaced by C.
Protein change: p.Lys528Asn; replaces lysine 528 with asparagine.
Molecular consequence: missense variant.
Genome position (GRCh38, 1-based): chr2:219,567,526, C>G on the plus strand (G>C on the coding strand, the complement: OBSL1 is on the minus strand). VCF-style: chr2-219567526-C-G. GRCh37 (hg19) VCF-style: chr2-220432248-C-G.
Other names: c.1584G>C, p.Lys528Asn (NM_001173408.2, NM_001173431.2); c.1584G>C (NM_015311.2); short protein forms K528N.
Identifiers: ClinVar variation 1949938 (VCV001949938.3), dbSNP rs1424872527, ClinGen allele CA350758227.
Genomic context (GRCh38, chr2:219,567,526, plus strand): 5'-TGGGGTCTCGGGAGCTGGCTCGGGAGGCTTCCAGGTCAACAGGACCGTGTTCTTGTGGCC[C>G]TTGAACATCTCTGCCAATATGGGGGGTCCTGGGGGACTGTGCTTGACACCTGAGACCAAG-3'
Protein context (NP_056126.1, residues 518-538): PGPPILAEMF[Lys528Asn]GHKNTVLLTW